The following is an entry in ClinVar:

ClinVar aggregate classification (germline): Uncertain significance. Review status: criteria provided, multiple submitters, no conflicts (2 of 4 stars). 2 submissions from 2 submitters: Uncertain significance (2). Last evaluated 2025-09-26.

Conditions:
Immunoglobulin-mediated membranoproliferative glomerulonephritis. Also called: Nephrotic syndrome, type 7; NEPHROTIC SYNDROME, TYPE 7, WITH MEMBRANOPROLIFERATIVE GLOMERULONEPHRITIS. Identifiers: Orphanet 329903, MedGen C3554330, MONDO:0014005, OMIM 615008.
Mesangiocapillary glomerulonephritis. Also called: Membranoproliferative glomerulonephritis. Identifiers: MedGen C0017662, MONDO:0002461, HP:0000793.

Allele frequency attached by ClinVar (database versions not stated): ExAC 0.00012; TOPMed 0.00025; gnomAD exomes 0.00007; 1000 Genomes Project 0.00040; gnomAD 0.00013; 1000 Genomes Project 30x 0.00031.
gnomAD v4.1: 129 of 1,613,940 alleles (0.008%); highest among the groups gnomAD compares: Admixed American, 0.078%; 1 homozygote.

Submissions (2):

Genomenon, Inc
Classification: Uncertain significance for Primary membranoproliferative glomerulonephritis. Last evaluated: 2025-09-26. Review status: criteria provided, single submitter. Criteria: Genomenon Sequence Variant Interpretation Standards - Updated. Collection method: curation. Allele origin: germline. Affected: no.
Comment: DGKE p.Phe106Leu (c.318C>G) is a missense variant that changes the amino acid at residue 106 from Phenylalanine to Leucine. This variant has been reported in the published literature (PMID:28461395;33387344). In silico models agree that this variant is not damaging. In conclusion, we classify DGKE p.Phe106Leu (c.318C>G) as a variant of uncertain significance.

Labcorp Genetics (formerly Invitae), Labcorp
Classification: Uncertain significance. Last evaluated: 2022-08-17. Review status: criteria provided, single submitter. Criteria: Invitae Variant Classification Sherloc (09022015). Collection method: clinical testing. Allele origin: germline.
Comment: This sequence change replaces phenylalanine, which is neutral and non-polar, with leucine, which is neutral and non-polar, at codon 106 of the DGKE protein (p.Phe106Leu). This variant is present in population databases (rs201997595, gnomAD 0.1%). This variant has not been reported in the literature in individuals affected with DGKE-related conditions. Algorithms developed to predict the effect of missense changes on protein structure and function (SIFT, PolyPhen-2, Align-GVGD) all suggest that this variant is likely to be tolerated. In summary, the available evidence is currently insufficient to determine the role of this variant in disease. Therefore, it has been classified as a Variant of Uncertain Significance.

Literature cited by the submitters: PubMed 28461395 (cited by Genomenon, Inc); PubMed 33387344 (cited by Genomenon, Inc).

NM_003647.3(DGKE):c.318C>G (p.Phe106Leu)

Gene: DGKE (diacylglycerol kinase epsilon; plus strand). Cytogenetic location: 17q22.
Variant type: single nucleotide variant.
Coding change: c.318C>G on transcript NM_003647.3 (MANE Select); coding-DNA position 318, C replaced by G.
Protein change: p.Phe106Leu; replaces phenylalanine 106 with leucine.
Molecular consequence: missense variant.
Genome position (GRCh38, 1-based): chr17:56,835,113, C>G. VCF-style: chr17-56835113-C-G. GRCh37 (hg19) VCF-style: chr17-54912474-C-G.
Other names: short protein forms F106L.
Identifiers: ClinVar variation 2046511 (VCV002046511.2), dbSNP rs201997595, ClinGen allele CA8663474.